The following is an entry in ClinVar:

ClinVar aggregate classification (germline): Uncertain significance. Review status: criteria provided, multiple submitters, no conflicts (2 of 4 stars). 3 submissions from 3 submitters: Uncertain significance (3). Last evaluated 2026-07-22.

Conditions:
Inborn genetic diseases. Identifiers: MedGen C0950123, MeSH D030342.
Multiple sulfatase deficiency (MSD). Also called: Multiple Sulfatase Deficiency Disease; Sulfatidosis, Juvenile, Austin Type; Mucosulfatidosis. Identifiers: Orphanet 585, MedGen C0268263, MONDO:0010088, OMIM 272200.

Allele frequency attached by ClinVar (database versions not stated): gnomAD 0.00009 and 0.00008; TOPMed 0.00010; gnomAD exomes 0.00014 and 0.00006; ExAC 0.00006; ESP Exome Variant Server 0.00015.
gnomAD v4.1: 209 of 1,613,864 alleles (0.013%); highest among the groups gnomAD compares: Non-Finnish European, 0.017%; no homozygotes.

Submissions (3):

Ambry Genetics
Classification: Uncertain significance for Inborn genetic diseases. Last evaluated: 2026-07-22. Review status: criteria provided, single submitter. Criteria: Ambry Variant Classification Scheme 2023. Collection method: clinical testing. Allele origin: germline.
Comment: The c.802A>G (p.T268A) alteration is located in exon 6 (coding exon 6) of the SUMF1 gene. This alteration results from a A to G substitution at nucleotide position 802, causing the threonine (T) at amino acid position 268 to be replaced by an alanine (A). Based on data from gnomAD, the G allele has an overall frequency of 0.006% (16/282588) total alleles studied. The highest observed frequency was 0.012% (16/128916) of European (non-Finnish) alleles. This amino acid position is poorly conserved in available vertebrate species. This alteration is predicted to be tolerated by in silico analysis. Based on insufficient or conflicting evidence, the clinical significance of this alteration remains unclear.

Labcorp Genetics (formerly Invitae), Labcorp
Classification: Uncertain significance for Multiple sulfatase deficiency. Last evaluated: 2025-01-06. Review status: criteria provided, single submitter. Criteria: Invitae Variant Classification Sherloc (09022015). Collection method: clinical testing. Allele origin: germline.
Comment: This sequence change replaces threonine, which is neutral and polar, with alanine, which is neutral and non-polar, at codon 268 of the SUMF1 protein (p.Thr268Ala). This variant is present in population databases (rs141447969, gnomAD 0.01%). This variant has not been reported in the literature in individuals affected with SUMF1-related conditions. ClinVar contains an entry for this variant (Variation ID: 902187). Invitae Evidence Modeling of protein sequence and biophysical properties (such as structural, functional, and spatial information, amino acid conservation, physicochemical variation, residue mobility, and thermodynamic stability) has been performed for this missense variant. However, the output from this modeling did not meet the statistical confidence thresholds required to predict the impact of this variant on SUMF1 protein function. In summary, the available evidence is currently insufficient to determine the role of this variant in disease. Therefore, it has been classified as a Variant of Uncertain Significance.

Illumina Laboratory Services, Illumina
Classification: Uncertain significance for Multiple sulfatase deficiency. Last evaluated: 2018-01-12. Review status: criteria provided, single submitter. Criteria: ICSL Variant Classification Criteria 13 December 2019. Collection method: clinical testing. Allele origin: germline.

Literature cited by the submitters: PubMed 28106320 (cited by Ambry Genetics).

NM_182760.4(SUMF1):c.802A>G (p.Thr268Ala)

Gene: SUMF1 (sulfatase modifying factor 1; minus strand). Cytogenetic location: 3p26.1.
Variant type: single nucleotide variant.
Coding change: c.802A>G on transcript NM_182760.4 (MANE Select); coding-DNA position 802, A replaced by G.
Protein change: p.Thr268Ala; replaces threonine 268 with alanine.
Molecular consequence: missense variant.
Genome position (GRCh38, 1-based): chr3:4,417,166, T>C on the plus strand (A>G on the coding strand, the complement: SUMF1 is on the minus strand). VCF-style: chr3-4417166-T-C. GRCh37 (hg19) VCF-style: chr3-4458850-T-C.
Other names: c.727A>G, p.Thr243Ala (NM_001164674.2); c.802A>G, p.Thr268Ala (NM_001164675.2); short protein forms T243A, T268A.
Identifiers: ClinVar variation 902187 (VCV000902187.9), dbSNP rs141447969, ClinGen allele CA2230455.